The following is an entry in ClinVar:

ClinVar aggregate classification (germline): Benign. Review status: criteria provided, multiple submitters, no conflicts (2 of 4 stars). 3 submissions from 3 submitters: Benign (3). Last evaluated 2018-06-24.

Conditions:
Neurofibromatosis, type 2 (SWNV). Also called: SCHWANNOMATOSIS, VESTIBULAR; BILATERAL ACOUSTIC NEUROFIBROMATOSIS; NF2-Related Schwannomatosis. Identifiers: Orphanet 637, MedGen C0027832, MONDO:0007039, OMIM 101000. Disease mechanism: loss of function.

Allele frequency attached by ClinVar (database versions not stated): 1000 Genomes Project 30x 0.86696; gnomAD 0.86939 and 0.86976; 1000 Genomes Project 0.87021; TOPMed 0.87196; gnomAD exomes 0.87649.
gnomAD v4.1: 723,893 of 826,994 alleles (88%); highest among the groups gnomAD compares: East Asian, 96%; 317,277 homozygotes.

Submissions (3):

GeneDx
Classification: Benign. Last evaluated: 2018-06-24. Review status: criteria provided, single submitter. Criteria: GeneDx Variant Classification Process June 2021. Collection method: clinical testing. Allele origin: germline. Affected: yes.

Illumina Laboratory Services, Illumina
Classification: Benign for Neurofibromatosis, type 2. Last evaluated: 2018-01-12. Review status: criteria provided, single submitter. Criteria: ICSL Variant Classification Criteria 13 December 2019. Collection method: clinical testing. Allele origin: germline.
Comment: This variant was observed in the ICSL laboratory as part of a predisposition screen in an ostensibly healthy population. It had not been previously curated by ICSL or reported in the Human Gene Mutation Database (HGMD: prior to June 1st, 2018), and was therefore a candidate for classification through an automated scoring system. Utilizing variant allele frequency, disease prevalence and penetrance estimates, and inheritance mode, an automated score was calculated to assess if this variant is too frequent to cause the disease. Based on the score and internal cut-off values, a variant classified as benign is not then subjected to further curation. The score for this variant resulted in a classification of benign for this disease.

Breakthrough Genomics
Classification: Benign. Review status: criteria provided, single submitter. Criteria: ACMG Guidelines, 2015. Collection method: not provided. Allele origin: germline. Inheritance: Autosomal dominant inheritance. Affected: yes.

NM_000268.4(NF2):c.-110G>C

Genes: NF2 (NF2, moesin-ezrin-radixin like (MERLIN) tumor suppressor; plus strand), LOC130067184 (ATAC-STARR-seq lymphoblastoid silent region 13595; plus strand). Cytogenetic location: 22q12.2.
Variant type: single nucleotide variant.
Coding change: c.-110G>C on transcript NM_000268.4 (MANE Select); 110 bases upstream of the start codon, G replaced by C.
Molecular consequence: 5 prime UTR variant. On other transcripts: non-coding transcript variant (1).
Genome position (GRCh38, 1-based): chr22:29,603,889, G>C. VCF-style: chr22-29603889-G-C. GRCh37 (hg19) VCF-style: chr22-29999878-G-C.
Other names: c.-110G>C (NM_016418.5, NM_181825.3, NM_181828.3 and 5 more transcripts).
Identifiers: ClinVar variation 341066 (VCV000341066.9), dbSNP rs1800540, ClinGen allele CA10653990.